The following is an entry in ClinVar:

NM_175875.5(SIX5):c.371A>T (p.Asp124Val)

Genes: DM1-AS (DM1 locus antisense RNA; plus strand), SIX5 (SIX homeobox 5; minus strand), LOC107075317 (origin of replication in DMPK trinucleotide repeat region; plus strand). Cytogenetic location: 19q13.32.
Variant type: single nucleotide variant.
Coding change: c.371A>T on transcript NM_175875.5 (MANE Select); coding-DNA position 371, A replaced by T.
Protein change: p.Asp124Val; replaces aspartic acid 124 with valine.
Molecular consequence: missense variant.
Genome position (GRCh38, 1-based): chr19:45,768,474, T>A on the plus strand (A>T on the coding strand, the complement: SIX5 is on the minus strand). VCF-style: chr19-45768474-T-A. GRCh37 (hg19) VCF-style: chr19-46271732-T-A.
Other names: short protein forms D124V.
Identifiers: ClinVar variation 3606622 (VCV003606622.2).
Genomic context (GRCh38, chr19:45,768,474, plus strand): 5'-TAGAGCTCGGCGTACTCGCCCCGCTGGAAGGCCACCAGGGCCCGCGCGCGCAACACCGGG[T>A]CGCTGCCACGTAGGCGCTCGGCCGGGGGCAGTGCGCCCAGGAAGCGGCTCAAGCGGCCGG-3'
Protein context (NP_787071.3, residues 114-134): LPPAERLRGS[Asp124Val]PVLRARALVA

ClinVar aggregate classification (germline): Uncertain significance (1 of 4 stars; one submission).

gnomAD v4.1: 2 of 1,526,086 alleles (0.00013%); highest among the groups gnomAD compares: Admixed American, 0.004%; no homozygotes.

Submission:

Labcorp Genetics (formerly Invitae), Labcorp
Classification: Uncertain significance. Last evaluated: 2024-02-02. Review status: criteria provided, single submitter. Criteria: Invitae Variant Classification Sherloc (09022015). Collection method: clinical testing. Allele origin: germline.
Comment: This sequence change replaces aspartic acid, which is acidic and polar, with valine, which is neutral and non-polar, at codon 124 of the SIX5 protein (p.Asp124Val). This variant is present in population databases (no rsID available, gnomAD 0.004%). This variant has not been reported in the literature in individuals affected with SIX5-related conditions. Advanced modeling of protein sequence and biophysical properties (such as structural, functional, and spatial information, amino acid conservation, physicochemical variation, residue mobility, and thermodynamic stability) performed at Invitae indicates that this missense variant is not expected to disrupt SIX5 protein function with a negative predictive value of 80%. In summary, the available evidence is currently insufficient to determine the role of this variant in disease. Therefore, it has been classified as a Variant of Uncertain Significance.